The following is an entry in ClinVar:

ClinVar aggregate classification (germline): Likely benign. Review status: criteria provided, multiple submitters, no conflicts (2 of 4 stars). 2 submissions from 2 submitters: Likely benign (2). Last evaluated 2025-07-27.

Conditions:
Hypertrophic cardiomyopathy. Also called: HYPERTROPHIC MYOCARDIOPATHY. Identifiers: Orphanet 217569, MedGen C0007194, MeSH D002312, MONDO:0005045, HP:0001639.

Allele frequency attached by ClinVar (database versions not stated): gnomAD exomes below 0.00001 and 0.00005; TOPMed 0.00003; ExAC 0.00017; gnomAD 0.00024 and 0.00027.
gnomAD v4.1: 14 of 163,520 alleles (0.0086%); highest among the groups gnomAD compares: Admixed American, 0.085%; no homozygotes.

Submissions (2):

Labcorp Genetics (formerly Invitae), Labcorp
Classification: Likely benign for Hypertrophic cardiomyopathy. Last evaluated: 2025-07-27. Review status: criteria provided, single submitter. Criteria: Invitae Variant Classification Sherloc (09022015). Collection method: clinical testing. Allele origin: germline.

All of Us Research Program, National Institutes of Health
Classification: Likely benign for Hypertrophic cardiomyopathy. Last evaluated: 2023-07-10. Review status: criteria provided, single submitter. Criteria: ACMG Guidelines, 2015. Collection method: clinical testing. Allele origin: germline. Inheritance: Autosomal dominant inheritance. Observed: 1 variant allele, 1 heterozygote.
Comment: This study involves interpretation of variants in research participants for the purpose of population health screening. Participant phenotype was not available at the time of variant classification. Additional details can be found in publication PMID: 35346344, PMCID: PMC8962531

NM_000256.3(MYBPC3):c.506-12C>T

Gene: MYBPC3 (myosin binding protein C3; minus strand). Cytogenetic location: 11p11.2.
Variant type: single nucleotide variant.
Coding change: c.506-12C>T on transcript NM_000256.3 (MANE Select); 12 bases into the intron before coding-DNA position 506, C replaced by T.
Molecular consequence: intron variant.
Genome position (GRCh38, 1-based): chr11:47,349,934, G>A on the plus strand (C>T on the coding strand, the complement: MYBPC3 is on the minus strand). VCF-style: chr11-47349934-G-A. GRCh37 (hg19) VCF-style: chr11-47371485-G-A.
Identifiers: ClinVar variation 1643006 (VCV001643006.9), dbSNP rs181840234, ClinGen allele CA055696.